The following is an entry in ClinVar:

ClinVar aggregate classification (germline): Uncertain significance (1 of 4 stars; one submission).

Conditions:
Mosaic variegated aneuploidy syndrome 1 (MVA1). Also called: Warburton-Anyane-Yeboa syndrome. Identifiers: Orphanet 1052, MedGen C1850343, MONDO:0009759, OMIM 257300.

Submission:

Labcorp Genetics (formerly Invitae), Labcorp
Classification: Uncertain significance for Mosaic variegated aneuploidy syndrome 1. Last evaluated: 2022-08-20. Review status: criteria provided, single submitter. Criteria: Invitae Variant Classification Sherloc (09022015). Collection method: clinical testing. Allele origin: germline.
Comment: In summary, the available evidence is currently insufficient to determine the role of this variant in disease. Therefore, it has been classified as a Variant of Uncertain Significance. Algorithms developed to predict the effect of missense changes on protein structure and function are either unavailable or do not agree on the potential impact of this missense change (SIFT: "Tolerated"; PolyPhen-2: "Probably Damaging"; Align-GVGD: "Class C0"). This variant has not been reported in the literature in individuals affected with BUB1B-related conditions. This variant is not present in population databases (gnomAD no frequency). This sequence change replaces glutamine, which is neutral and polar, with proline, which is neutral and non-polar, at codon 939 of the BUB1B protein (p.Gln939Pro).

NM_001211.6(BUB1B):c.2816A>C (p.Gln939Pro)

Genes: BUB1B (BUB1 mitotic checkpoint serine/threonine kinase B; plus strand), BUB1B-PAK6 (BUB1B-PAK6 readthrough; plus strand). Cytogenetic location: 15q15.1.
Variant type: single nucleotide variant.
Coding change: c.2816A>C on transcript NM_001211.6 (MANE Select); coding-DNA position 2816, A replaced by C.
Protein change: p.Gln939Pro; replaces glutamine 939 with proline.
Molecular consequence: missense variant. On other transcripts: 5 prime UTR variant (2).
Genome position (GRCh38, 1-based): chr15:40,217,633, A>C. VCF-style: chr15-40217633-A-C. GRCh37 (hg19) VCF-style: chr15-40509834-A-C.
Other names: c.-235A>C (NM_001128628.3); c.-152A>C (NM_001128629.3); short protein forms Q939P.
Identifiers: ClinVar variation 1717106 (VCV001717106.5), dbSNP rs2542585082, ClinGen allele CA391688084.